The following is an entry in ClinVar:

ClinVar aggregate classification (germline): Uncertain significance. Review status: criteria provided, multiple submitters, no conflicts (2 of 4 stars). 2 submissions from 2 submitters: Uncertain significance (2). Last evaluated 2024-06-14.

Conditions:
Hereditary nonpolyposis colorectal neoplasms. Identifiers: MedGen C0009405, MeSH D003123.
Hereditary cancer-predisposing syndrome. Also called: Neoplastic Syndromes, Hereditary; Tumor predisposition; Hereditary Cancer Syndrome; Hereditary neoplastic syndrome. Identifiers: Orphanet 140162, MedGen C0027672, MeSH D009386, MONDO:0015356.

Submissions (2):

Ambry Genetics
Classification: Uncertain significance for Hereditary cancer-predisposing syndrome. Last evaluated: 2024-06-14. Review status: criteria provided, single submitter. Criteria: Ambry Variant Classification Scheme 2023. Collection method: clinical testing. Allele origin: germline.
Comment: The p.N534I variant (also known as c.1601A>T), located in coding exon 4 of the MSH6 gene, results from an A to T substitution at nucleotide position 1601. The asparagine at codon 534 is replaced by isoleucine, an amino acid with dissimilar properties. This amino acid position is poorly conserved in available vertebrate species. In addition, this alteration is predicted to be tolerated by in silico analysis. Since supporting evidence is limited at this time, the clinical significance of this alteration remains unclear.

Labcorp Genetics (formerly Invitae), Labcorp
Classification: Uncertain significance for Hereditary nonpolyposis colorectal neoplasms. Last evaluated: 2024-02-11. Review status: criteria provided, single submitter. Criteria: Invitae Variant Classification Sherloc (09022015). Collection method: clinical testing. Allele origin: germline.
Comment: This sequence change replaces asparagine, which is neutral and polar, with isoleucine, which is neutral and non-polar, at codon 534 of the MSH6 protein (p.Asn534Ile). This variant is not present in population databases (gnomAD no frequency). This variant has not been reported in the literature in individuals affected with MSH6-related conditions. ClinVar contains an entry for this variant (Variation ID: 819644). Advanced modeling of protein sequence and biophysical properties (such as structural, functional, and spatial information, amino acid conservation, physicochemical variation, residue mobility, and thermodynamic stability) performed at Invitae indicates that this missense variant is not expected to disrupt MSH6 protein function with a negative predictive value of 95%. In summary, the available evidence is currently insufficient to determine the role of this variant in disease. Therefore, it has been classified as a Variant of Uncertain Significance.

NM_000179.3(MSH6):c.1601A>T (p.Asn534Ile)

Gene: MSH6 (mutS homolog 6; plus strand). Cytogenetic location: 2p16.3.
Variant type: single nucleotide variant.
Coding change: c.1601A>T on transcript NM_000179.3 (MANE Select); coding-DNA position 1601, A replaced by T.
Protein change: p.Asn534Ile; replaces asparagine 534 with isoleucine.
Molecular consequence: missense variant.
Genome position (GRCh38, 1-based): chr2:47,799,584, A>T. VCF-style: chr2-47799584-A-T. GRCh37 (hg19) VCF-style: chr2-48026723-A-T.
Other names: c.1211A>T, p.Asn404Ile (NM_001281492.2); c.695A>T, p.Asn232Ile (NM_001281493.2, NM_001281494.2); short protein forms N404I, N534I, N232I.
Identifiers: ClinVar variation 819644 (VCV000819644.10), dbSNP rs1572723598, ClinGen allele CA346746960.